The following is an entry in ClinVar:

ClinVar aggregate classification (germline): Benign. Review status: criteria provided, multiple submitters, no conflicts (2 of 4 stars). 2 submissions from 2 submitters: Benign (2). Last evaluated 2026-07-01.

Allele frequency attached by ClinVar (database versions not stated): 1000 Genomes Project 0.00220; 1000 Genomes Project 30x 0.00250; gnomAD 0.00365 and 0.00368; TOPMed 0.00394; gnomAD exomes 0.00421 and 0.00538; ExAC 0.00430; ESP Exome Variant Server 0.00456.
gnomAD v4.1: 8,429 of 1,613,928 alleles (0.52%); highest among the groups gnomAD compares: Non-Finnish European, 0.61%; 42 homozygotes.

Submissions (2):

CeGaT Center for Human Genetics Tuebingen
Classification: Benign. Last evaluated: 2026-07-01. Review status: criteria provided, single submitter. Criteria: CeGaT Center For Human Genetics Tuebingen Variant Classification Criteria Version 2. Collection method: clinical testing. Allele origin: germline. Affected: yes. Observed: 42 variant alleles.
Comment: CYFIP2: BS1, BS2

Labcorp Genetics (formerly Invitae), Labcorp
Classification: Benign. Last evaluated: 2026-02-03. Review status: criteria provided, single submitter. Criteria: Invitae Variant Classification Sherloc (09022015). Collection method: clinical testing. Allele origin: germline.

NM_001037333.3(CYFIP2):c.2347A>G (p.Ile783Val)

Gene: CYFIP2 (cytoplasmic FMR1 interacting protein 2; plus strand). Cytogenetic location: 5q33.3.
Variant type: single nucleotide variant.
Coding change: c.2347A>G on transcript NM_001037333.3 (MANE Select); coding-DNA position 2347, A replaced by G.
Protein change: p.Ile783Val; replaces isoleucine 783 with valine.
Molecular consequence: missense variant.
Genome position (GRCh38, 1-based): chr5:157,333,408, A>G. VCF-style: chr5-157333408-A-G. GRCh37 (hg19) VCF-style: chr5-156760416-A-G.
Other names: c.2269A>G, p.Ile757Val (NM_001291721.2); c.2422A>G, p.Ile808Val (NM_001291722.2); c.2347A>G, p.Ile783Val (NM_014376.4); short protein forms I757V, I783V, I808V.
Identifiers: ClinVar variation 1165957 (VCV001165957.33), dbSNP rs139353471, ClinGen allele CA3533828.